The following is an entry in ClinVar:

ClinVar aggregate classification (germline): Uncertain significance (0 of 4 stars; one submission).

Conditions:
PLXNA3-related disorder. Also called: PLXNA3-related condition.

Submission:

PreventionGenetics, part of Exact Sciences
Classification: Uncertain significance for PLXNA3-related condition. Last evaluated: 2024-05-02. Review status: no assertion criteria provided. Collection method: clinical testing. Allele origin: germline.
Comment: The PLXNA3 c.10G>C variant is predicted to result in the amino acid substitution p.Val4Leu. To our knowledge, this variant has not been reported in the literature or in a large population database, indicating this variant is rare. At this time, the clinical significance of this variant is uncertain due to the absence of conclusive functional and genetic evidence.

NM_017514.5(PLXNA3):c.10G>C (p.Val4Leu)

Gene: PLXNA3 (plexin A3; plus strand). Cytogenetic location: Xq28.
Variant type: single nucleotide variant.
Coding change: c.10G>C on transcript NM_017514.5 (MANE Select); coding-DNA position 10, G replaced by C.
Protein change: p.Val4Leu; replaces valine 4 with leucine.
Molecular consequence: missense variant.
Genome position (GRCh38, 1-based): chrX:154,460,193, G>C. VCF-style: chrX-154460193-G-C. GRCh37 (hg19) VCF-style: chrX-153688533-G-C.
Other names: short protein forms V4L.
Identifiers: ClinVar variation 3357869 (VCV003357869.1).